The following is an entry in ClinVar:

NM_000088.4(COL1A1):c.3994G>A (p.Asp1332Asn)

Gene: COL1A1 (collagen type I alpha 1 chain; minus strand). Cytogenetic location: 17q21.33.
Variant type: single nucleotide variant.
Coding change: c.3994G>A on transcript NM_000088.4 (MANE Select); coding-DNA position 3994, G replaced by A.
Protein change: p.Asp1332Asn; replaces aspartic acid 1332 with asparagine.
Molecular consequence: missense variant.
Genome position (GRCh38, 1-based): chr17:50,186,328, C>T on the plus strand (G>A on the coding strand, the complement: COL1A1 is on the minus strand). VCF-style: chr17-50186328-C-T. GRCh37 (hg19) VCF-style: chr17-48263689-C-T.
Other names: short protein forms D1332N.
Identifiers: ClinVar variation 578894 (VCV000578894.17), dbSNP rs754984293, ClinGen allele CA8644300.

ClinVar aggregate classification (germline): Conflicting classifications of pathogenicity. Review status: criteria provided, conflicting classifications (1 of 4 stars). 5 submissions from 5 submitters: Uncertain significance (4); Likely benign (1). Last evaluated 2026-05-29.

Conditions:
Osteogenesis imperfecta type I (OI1). Also called: Lobstein disease; Classic Non-deforming Osteogenesis Imperfecta with Blue Sclerae; Lobstein's Disease; Osteogenesis imperfecta type 1; OI, TYPE I; OSTEOGENESIS IMPERFECTA TARDA. Identifiers: Orphanet 216796, Orphanet 666, MedGen C0023931, MONDO:0008146, OMIM 166200. Disease mechanism: loss of function.
Cardiovascular phenotype. Identifiers: MedGen CN230736.
Osteogenesis imperfecta, perinatal lethal (OI2). Also called: OSTEOGENESIS IMPERFECTA, TYPE II; Osteogenesis imperfecta type 2; VROLIK TYPE OF OSTEOGENESIS IMPERFECTA; Osteogenesis imperfecta, dominant perinatal lethal; OI, TYPE II; OSTEOGENESIS IMPERFECTA CONGENITA. Identifiers: Orphanet 216804, MedGen C0268358, MONDO:0008147, OMIM 166210.
Osteogenesis imperfecta type III (OI3). Also called: Osteogenesis imperfecta type 3; OI type 3; Osteogenesis imperfecta, progressively deforming with normal sclerae; OI type III; Progressively Deforming Osteogenesis Imperfecta. Identifiers: Orphanet 216812, Orphanet 666, MedGen C0268362, MONDO:0009804, OMIM 259420.
Infantile cortical hyperostosis. Also called: Caffey Disease; P1PK BLOOD GROUP SYSTEM, P(2) PHENOTYPE; Hyperostosis, Cortical, Congenital. Identifiers: Orphanet 1310, MedGen C0020497, MONDO:0007244, OMIM 114000.
Ehlers-Danlos syndrome, arthrochalasia type. Also called: EDS VII, MUTANT PROCOLLAGEN TYPE; EDS VIIA; ARTHROCHALASIS MULTIPLEX CONGENITA; Ehlers-Danlos syndrome, arthrochalasia type, 1; Ehlers-Danlos syndrome, arthrochalasis type. Identifiers: Orphanet 1899, Orphanet 99875, Orphanet 99876, MedGen C4551623, MONDO:0007525, OMIM 130060.
Osteoporosis. Identifiers: MedGen C0029456, MONDO:0005298, OMIM 166710, HP:0000939.
Osteogenesis imperfecta with normal sclerae, dominant form (OI4). Also called: Osteogenesis Imperfecta Type IV; OSTEOGENESIS IMPERFECTA, TYPE IV, WITH DENTINOGENESIS IMPERFECTA; Common Variable Osteogenesis Imperfecta with Normal Sclerae; Osteogenesis imperfecta type 4; OSTEOGENESIS IMPERFECTA WITH NORMAL SCLERAE. Identifiers: Orphanet 216820, Orphanet 666, MedGen C0268363, MONDO:0008148, OMIM 166220.
Ehlers-Danlos syndrome, classic type, 1 (EDSCL1). Also called: EHLERS-DANLOS SYNDROME, GRAVIS TYPE; EHLERS-DANLOS SYNDROME, SEVERE CLASSIC TYPE; Ehlers-Danlos syndrome, type 1; Ehlers-Danlos Syndrome, Classic Type, COL5A1-Related; EDS I. Identifiers: MedGen C0268335, MONDO:0019567, OMIM 130000.

Allele frequency attached by ClinVar (database versions not stated): ExAC 0.00003; gnomAD exomes 0.00004 and 0.00002; gnomAD 0.00001; TOPMed 0.00003.
gnomAD v4.1: 32 of 1,614,114 alleles (0.002%); highest among the groups gnomAD compares: East Asian, 0.0045%; no homozygotes.

Submissions (5):

GeneDx
Classification: Uncertain significance. Last evaluated: 2026-05-29. Review status: criteria provided, single submitter. Criteria: GeneDx Variant Classification Process June 2021. Collection method: clinical testing. Allele origin: germline.
Comment: Has not been previously published as pathogenic or benign to our knowledge; In silico analysis suggests that this missense variant does not alter protein structure/function; Not located in the triple helical region, where the majority of pathogenic missense variants occur (HGMD)

Women's Health and Genetics/Laboratory Corporation of America, LabCorp
Classification: Uncertain significance. Last evaluated: 2026-01-27. Review status: criteria provided, single submitter. Criteria: LabCorp Variant Classification Summary - May 2015. Collection method: clinical testing. Allele origin: germline.
Comment: Variant summary: COL1A1 c.3994G>A (p.Asp1332Asn) results in a conservative amino acid change in the encoded protein sequence. Algorithms developed to predict the effect of missense changes on protein structure and function are either unavailable or do not agree on the potential impact of this missense change. The variant allele was found at a frequency of 3.6e-05 in 251384 control chromosomes. The available data on variant occurrences in the general population are insufficient to allow any conclusion about variant significance. To our knowledge, no occurrence of c.3994G>A in individuals affected with COL1A1-related conditions and no experimental evidence demonstrating its impact on protein function have been reported. ClinVar contains an entry for this variant (Variation ID: 578894). Based on the evidence outlined above, the variant was classified as uncertain significance.

Labcorp Genetics (formerly Invitae), Labcorp
Classification: Likely benign for Osteogenesis imperfecta type I. Last evaluated: 2025-08-20. Review status: criteria provided, single submitter. Criteria: Invitae Variant Classification Sherloc (09022015). Collection method: clinical testing. Allele origin: germline.

Ambry Genetics
Classification: Uncertain significance for Cardiovascular phenotype. Last evaluated: 2024-11-12. Review status: criteria provided, single submitter. Criteria: Ambry Variant Classification Scheme 2023. Collection method: clinical testing. Allele origin: germline.
Comment: The p.D1332N variant (also known as c.3994G>A), located in coding exon 49 of the COL1A1 gene, results from a G to A substitution at nucleotide position 3994. The aspartic acid at codon 1332 is replaced by asparagine, an amino acid with highly similar properties. This amino acid position is poorly conserved in available vertebrate species. In addition, this alteration is predicted to be tolerated by in silico analysis. Based on the available evidence, the clinical significance of this variant remains unclear.

Center for Genomics, Ann and Robert H. Lurie Children's Hospital of Chicago
Classification: Uncertain significance for Infantile cortical hyperostosis; Ehlers-Danlos syndrome, classic type, 1; Ehlers-Danlos syndrome, arthrochalasia type; Osteogenesis imperfecta type I; Osteogenesis imperfecta, perinatal lethal; Osteogenesis imperfecta type III; Osteogenesis imperfecta with normal sclerae, dominant form; Osteoporosis. Review status: criteria provided, single submitter. Criteria: ACMG Guidelines, 2015. Collection method: clinical testing. Allele origin: germline.
Comment: COL1A1 NM_000088.3 exon 49 p.Asp1332Asn (c.3994G>A):This variant has not been reported in the literature but is present in 0.002% (2/68046) of European alleles in the Genome Aggregation Database (h). This variant is present in ClinVar (Variation ID:578894). Evolutionary conservation and computational predictive tools suggest that this variant may not impact the protein. In summary, data on this variant is insufficient for disease classification. Therefore, the clinical significance of this variant is uncertain